The following is an entry in ClinVar:

ClinVar aggregate classification (germline): Uncertain significance (1 of 4 stars; one submission).

Submission:

GeneDx
Classification: Uncertain significance. Last evaluated: 2019-01-23. Review status: criteria provided, single submitter. Criteria: GeneDx Variant Classification Process June 2021. Collection method: clinical testing. Allele origin: germline. Affected: yes.
Comment: Not observed in large population cohorts (Lek et al., 2016); Frameshift variant predicted to result in protein truncation as the last 43 amino acids are replaced with 18 different amino acids; in the absence of functional studies, the physiological consequence of this variant cannot be precisely determined; Has not been previously published as pathogenic or benign to our knowledge

NM_001018116.2(CAVIN4):c.751_754del (p.Ser251fs)

Gene: CAVIN4 (caveolae associated protein 4; plus strand). Cytogenetic location: 9q31.1.
Variant type: Deletion.
Coding change: c.751_754del on transcript NM_001018116.2 (MANE Select); coding-DNA positions 751 to 754, 4 bases deleted (TCAG; older notation c.751_754delTCAG).
Protein change: p.Ser251fs; shifts the reading frame from serine 251.
Molecular consequence: frameshift variant.
Genome position (GRCh38, 1-based): chr9:100,586,107-100,586,110, TCAG deleted; deleting any 4 consecutive bases within chr9:100,586,104-100,586,110 gives the same sequence; the c. name uses the placement nearest the transcript's 3' end. VCF-style (leftmost placement, unchanged base first): chr9-100586103-ACAGT-A. GRCh37 (hg19) VCF-style: chr9-103348385-ACAGT-A.
Other names: short protein forms S251fs.
Identifiers: ClinVar variation 1305225 (VCV001305225.2), dbSNP rs2118615248, ClinGen allele CA2533509130.